The following is an entry in ClinVar:

ClinVar aggregate classification (germline): Uncertain significance (1 of 4 stars; one submission).

Conditions:
Larsen-like syndrome, B3GAT3 type. Also called: Multiple joint dislocations, short stature, craniofacial dysmorphism, with or without congenital heart defects; MULTIPLE JOINT DISLOCATIONS, SHORT STATURE, AND CRANIOFACIAL DYSMORPHISM WITH OR WITHOUT CONGENITAL HEART DEFECTS. Identifiers: Orphanet 284139, MedGen CN034159, MONDO:0009511, OMIM 245600.

gnomAD v4.1: 1 of 1,612,756 alleles (0.000062%); highest among the groups gnomAD compares: Non-Finnish European, 0.000085%; no homozygotes.

Submission:

Labcorp Genetics (formerly Invitae), Labcorp
Classification: Uncertain significance for Larsen-like syndrome, B3GAT3 type. Last evaluated: 2025-11-20. Review status: criteria provided, single submitter. Criteria: Invitae Variant Classification Sherloc (09022015). Collection method: clinical testing. Allele origin: germline.
Comment: This sequence change replaces lysine, which is basic and polar, with arginine, which is basic and polar, at codon 47 of the B3GAT3 protein (p.Lys47Arg). This variant is not present in population databases (gnomAD no frequency). This variant has not been reported in the literature in individuals affected with B3GAT3-related conditions. An algorithm developed to predict the effect of missense changes on protein structure and function (PolyPhen-2) suggests that this variant is likely to be disruptive. In summary, the available evidence is currently insufficient to determine the role of this variant in disease. Therefore, it has been classified as a Variant of Uncertain Significance.

NM_012200.4(B3GAT3):c.140A>G (p.Lys47Arg)

Gene: B3GAT3 (beta-1,3-glucuronyltransferase 3; minus strand). Cytogenetic location: 11q12.3.
Variant type: single nucleotide variant.
Coding change: c.140A>G on transcript NM_012200.4 (MANE Select); coding-DNA position 140, A replaced by G.
Protein change: p.Lys47Arg; replaces lysine 47 with arginine.
Molecular consequence: missense variant. On other transcripts: non-coding transcript variant (1).
Genome position (GRCh38, 1-based): chr11:62,620,614, T>C on the plus strand (A>G on the coding strand, the complement: B3GAT3 is on the minus strand). VCF-style: chr11-62620614-T-C. GRCh37 (hg19) VCF-style: chr11-62388086-T-C.
Other names: c.119A>G, p.Lys40Arg (NM_001288721.2); c.140A>G, p.Lys47Arg (NM_001288722.2, NM_001288723.2); short protein forms K47R, K40R.
Identifiers: ClinVar variation 4708525 (VCV004708525.1).